The following is an entry in ClinVar:

NM_004260.4(RECQL4):c.1701G>C (p.Gln567His)

Gene: RECQL4 (RecQ like helicase 4; minus strand). Cytogenetic location: 8q24.3.
Variant type: single nucleotide variant.
Coding change: c.1701G>C on transcript NM_004260.4 (MANE Select); coding-DNA position 1701, G replaced by C.
Protein change: p.Gln567His; replaces glutamine 567 with histidine.
Molecular consequence: missense variant. On other transcripts: non-coding transcript variant (3).
Genome position (GRCh38, 1-based): chr8:144,514,445, C>G on the plus strand (G>C on the coding strand, the complement: RECQL4 is on the minus strand). VCF-style: chr8-144514445-C-G. GRCh37 (hg19) VCF-style: chr8-145739829-C-G.
Other names: c.1605G>C, p.Gln535His (NM_001413017.1, NM_001413020.1); c.1701G>C, p.Gln567His (NM_001413018.1, NM_001413019.1, NM_001413033.1 and 1 more transcripts); c.630G>C, p.Gln210His (NM_001413021.1, NM_001413022.1, NM_001413023.1 and 7 more transcripts); c.1572G>C, p.Gln524His (NM_001413025.1); c.564G>C, p.Gln188His (NM_001413027.1, NM_001413041.1, NM_001413030.1 and 2 more transcripts); c.1671G>C, p.Gln557His (NM_001413039.1); c.600G>C, p.Gln200His (NM_001413042.1); c.234G>C, p.Gln78His (NM_001413043.1); and 1 more; short protein forms Q188H, Q200H, Q450H, Q535H, Q557H, Q524H, Q567H, Q210H.
Identifiers: ClinVar variation 2763840 (VCV002763840.3), dbSNP rs2538043810, ClinGen allele CA372681490.
Genomic context (GRCh38, chr8:144,514,445, plus strand): 5'-CACAGCCCAGGTGCCCGCCCGCTGCCTCCCTCACCCCTAGGCCCATGAGGCCCCCACCTT[C>G]TGCAGGACAGATTCCCGTTGCTTCCTGGTCATGCCCGAGTGTATGCAGGCCGCCTTGAGA-3'
Protein context (NP_004251.4, residues 557-577): MTRKQRESVL[Gln567His]KIRAAQVHVL

ClinVar aggregate classification (germline): Uncertain significance (1 of 4 stars; one submission).

Conditions:
Baller-Gerold syndrome (BGS). Also called: CRANIOSYNOSTOSIS WITH RADIAL DEFECTS. Identifiers: Orphanet 1225, MedGen C0265308, MONDO:0009039, OMIM 218600.

Submission:

Labcorp Genetics (formerly Invitae), Labcorp
Classification: Uncertain significance for Baller-Gerold syndrome. Last evaluated: 2023-09-27. Review status: criteria provided, single submitter. Criteria: Invitae Variant Classification Sherloc (09022015). Collection method: clinical testing. Allele origin: germline.
Comment: In summary, the available evidence is currently insufficient to determine the role of this variant in disease. Therefore, it has been classified as a Variant of Uncertain Significance. Advanced modeling of protein sequence and biophysical properties (such as structural, functional, and spatial information, amino acid conservation, physicochemical variation, residue mobility, and thermodynamic stability) performed at Invitae indicates that this missense variant is expected to disrupt RECQL4 protein function. This variant has not been reported in the literature in individuals affected with RECQL4-related conditions. This variant is not present in population databases (gnomAD no frequency). This sequence change replaces glutamine, which is neutral and polar, with histidine, which is basic and polar, at codon 567 of the RECQL4 protein (p.Gln567His).